The following is an entry in ClinVar:

ClinVar aggregate classification (germline): Uncertain significance. Review status: criteria provided, multiple submitters, no conflicts (2 of 4 stars). 3 submissions from 3 submitters: Uncertain significance (3). Last evaluated 2026-01-09.

Conditions:
Early-infantile DEE. Also called: Ohtahara syndrome; Early infantile epileptic encephalopathy with suppression bursts; Early infantile epileptic encephalopathy. Identifiers: Orphanet 1934, MedGen C0393706, MONDO:0800491.
SPTAN1-related disorder. Also called: SPTAN1-related disorders; SPTAN1-related condition.
Developmental and epileptic encephalopathy, 5 (DEE5). Identifiers: Orphanet 3451, MedGen C3150731, MONDO:0013277, OMIM 613477.

Allele frequency attached by ClinVar (database versions not stated): TOPMed below 0.00001; gnomAD 0.00001; gnomAD exomes 0.00001 and 0.00002; ExAC 0.00002.
gnomAD v4.1: 12 of 1,613,924 alleles (0.00074%); highest among the groups gnomAD compares: East Asian, 0.0045%; no homozygotes.

Submissions (3):

PreventionGenetics, part of Exact Sciences
Classification: Uncertain significance for SPTAN1-related condition. Last evaluated: 2026-01-09. Review status: criteria provided, single submitter. Criteria: ACMG Guidelines, 2015. Collection method: clinical testing. Allele origin: germline.
Comment: The SPTAN1 c.6274C>T variant is predicted to result in the amino acid substitution p.Arg2092Cys. To our knowledge, this variant has not been reported in the literature. This variant is reported in 0.011% of alleles in individuals of East Asian descent in gnomAD. Although we suspect that this variant may be benign, at this time, the clinical significance of this variant is uncertain due to the absence of conclusive functional and genetic evidence.

Genomic Medicine Center of Excellence, King Faisal Specialist Hospital and Research Centre
Classification: Uncertain significance for Developmental and epileptic encephalopathy, 5. Last evaluated: 2025-09-10. Review status: criteria provided, single submitter. Criteria: ACMG Guidelines, 2015. Collection method: clinical testing. Allele origin: germline.

Labcorp Genetics (formerly Invitae), Labcorp
Classification: Uncertain significance for Early-infantile DEE. Last evaluated: 2022-09-02. Review status: criteria provided, single submitter. Criteria: Invitae Variant Classification Sherloc (09022015). Collection method: clinical testing. Allele origin: germline.
Comment: This sequence change replaces arginine, which is basic and polar, with cysteine, which is neutral and slightly polar, at codon 2092 of the SPTAN1 protein (p.Arg2092Cys). This variant is present in population databases (rs771651648, gnomAD 0.01%). In summary, the available evidence is currently insufficient to determine the role of this variant in disease. Therefore, it has been classified as a Variant of Uncertain Significance. Algorithms developed to predict the effect of missense changes on protein structure and function (SIFT, PolyPhen-2, Align-GVGD) all suggest that this variant is likely to be disruptive. ClinVar contains an entry for this variant (Variation ID: 1390469). This variant has not been reported in the literature in individuals affected with SPTAN1-related conditions.

NM_001130438.3(SPTAN1):c.6274C>T (p.Arg2092Cys)

Gene: SPTAN1 (spectrin alpha, non-erythrocytic 1; plus strand). Cytogenetic location: 9q34.11.
Variant type: single nucleotide variant.
Coding change: c.6274C>T on transcript NM_001130438.3 (MANE Select); coding-DNA position 6274, C replaced by T.
Protein change: p.Arg2092Cys; replaces arginine 2092 with cysteine.
Molecular consequence: missense variant.
Genome position (GRCh38, 1-based): chr9:128,625,973, C>T. VCF-style: chr9-128625973-C-T. GRCh37 (hg19) VCF-style: chr9-131388252-C-T.
Other names: c.6199C>T, p.Arg2067Cys (NM_001195532.2); c.6274C>T, p.Arg2092Cys (NM_001363759.2, NM_001375310.1, NM_001375311.2 and 1 more transcripts); c.6214C>T, p.Arg2072Cys (NM_001363765.2, NM_001375314.2); c.6310C>T, p.Arg2104Cys (NM_001375312.2, NM_001375318.1); c.6259C>T, p.Arg2087Cys (NM_003127.4); c.6274C>T (NM_001130438.2); short protein forms R2067C, R2087C, R2092C, R2104C, R2072C.
Identifiers: ClinVar variation 1390469 (VCV001390469.9), dbSNP rs771651648, ClinGen allele CA5265672.